The following is an entry in ClinVar:

NM_003098.3(SNTA1):c.571C>T (p.Pro191Ser)

Gene: SNTA1 (syntrophin alpha 1; minus strand). Cytogenetic location: 20q11.21.
Variant type: single nucleotide variant.
Coding change: c.571C>T on transcript NM_003098.3 (MANE Select); coding-DNA position 571, C replaced by T.
Protein change: p.Pro191Ser; replaces proline 191 with serine.
Molecular consequence: missense variant.
Genome position (GRCh38, 1-based): chr20:33,417,849, G>A on the plus strand (C>T on the coding strand, the complement: SNTA1 is on the minus strand). VCF-style: chr20-33417849-G-A. GRCh37 (hg19) VCF-style: chr20-32005655-G-A.
Other names: c.571C>T, p.Pro191Ser (NM_001424413.1, NM_001424414.1); short protein forms P191S.
Identifiers: ClinVar variation 2763166 (VCV002763166.3), dbSNP rs2515509754, ClinGen allele CA408632669.

ClinVar aggregate classification (germline): Uncertain significance (1 of 4 stars; one submission).

Conditions:
Long QT syndrome (LQTS). Identifiers: MedGen C0023976, MeSH D008133, MONDO:0002442. Disease mechanism: loss of function. Inheritance: Various modes of inheritance.

Allele frequency attached by ClinVar (database versions not stated): gnomAD exomes below 0.00001.
gnomAD v4.1: 1 of 1,614,062 alleles (0.000062%); highest among the groups gnomAD compares: Non-Finnish European, 0.000085%; no homozygotes.

Submission:

Labcorp Genetics (formerly Invitae), Labcorp
Classification: Uncertain significance for Long QT syndrome. Last evaluated: 2023-09-24. Review status: criteria provided, single submitter. Criteria: Invitae Variant Classification Sherloc (09022015). Collection method: clinical testing. Allele origin: germline.
Comment: In summary, the available evidence is currently insufficient to determine the role of this variant in disease. Therefore, it has been classified as a Variant of Uncertain Significance. Advanced modeling of protein sequence and biophysical properties (such as structural, functional, and spatial information, amino acid conservation, physicochemical variation, residue mobility, and thermodynamic stability) performed at Invitae indicates that this missense variant is not expected to disrupt SNTA1 protein function. This variant has not been reported in the literature in individuals affected with SNTA1-related conditions. This variant is not present in population databases (gnomAD no frequency). This sequence change replaces proline, which is neutral and non-polar, with serine, which is neutral and polar, at codon 191 of the SNTA1 protein (p.Pro191Ser).